The following is an entry in ClinVar:

ClinVar aggregate classification (germline): Uncertain significance (1 of 4 stars; one submission).

Conditions:
LAMA2-related muscular dystrophy (LAMA2-RD). Also called: Laminin alpha 2-related dystrophy. Identifiers: MedGen C5679788, MONDO:0100228.

Allele frequency attached by ClinVar (database versions not stated): gnomAD exomes 0.00001; TOPMed 0.00002; ExAC 0.00001; gnomAD 0.00001.
gnomAD v4.1: 7 of 1,612,856 alleles (0.00043%); highest among the groups gnomAD compares: African/African-American, 0.0027%; no homozygotes.

Submission:

Labcorp Genetics (formerly Invitae), Labcorp
Classification: Uncertain significance for LAMA2-related muscular dystrophy. Last evaluated: 2023-08-04. Review status: criteria provided, single submitter. Criteria: Invitae Variant Classification Sherloc (09022015). Collection method: clinical testing. Allele origin: germline.
Comment: In summary, the available evidence is currently insufficient to determine the role of this variant in disease. Therefore, it has been classified as a Variant of Uncertain Significance. This sequence change replaces threonine, which is neutral and polar, with alanine, which is neutral and non-polar, at codon 2157 of the LAMA2 protein (p.Thr2157Ala). This variant is present in population databases (rs770722239, gnomAD 0.002%). This variant has not been reported in the literature in individuals affected with LAMA2-related conditions. ClinVar contains an entry for this variant (Variation ID: 855049). Advanced modeling of protein sequence and biophysical properties (such as structural, functional, and spatial information, amino acid conservation, physicochemical variation, residue mobility, and thermodynamic stability) performed at Invitae indicates that this missense variant is not expected to disrupt LAMA2 protein function.

NM_000426.4(LAMA2):c.6469A>G (p.Thr2157Ala)

Gene: LAMA2 (laminin subunit alpha 2; plus strand). Cytogenetic location: 6q22.33.
Variant type: single nucleotide variant.
Coding change: c.6469A>G on transcript NM_000426.4 (MANE Select); coding-DNA position 6469, A replaced by G.
Protein change: p.Thr2157Ala; replaces threonine 2157 with alanine.
Molecular consequence: missense variant.
Genome position (GRCh38, 1-based): chr6:129,453,027, A>G. VCF-style: chr6-129453027-A-G. GRCh37 (hg19) VCF-style: chr6-129774172-A-G.
Other names: c.6469A>G, p.Thr2157Ala (NM_001079823.2); short protein forms T2157A.
Identifiers: ClinVar variation 855049 (VCV000855049.8), dbSNP rs770722239, ClinGen allele CA3994280.